The following is an entry in ClinVar:

ClinVar aggregate classification (germline): Uncertain significance. Review status: criteria provided, multiple submitters, no conflicts (2 of 4 stars). 2 submissions from 2 submitters: Uncertain significance (2). Last evaluated 2020-05-05.

Allele frequency attached by ClinVar (database versions not stated): ExAC 0.00001; gnomAD 0.00001.
gnomAD v4.1: 5 of 1,613,474 alleles (0.00031%); highest among the groups gnomAD compares: Non-Finnish European, 0.00034%; no homozygotes.

Submissions (2):

Labcorp Genetics (formerly Invitae), Labcorp
Classification: Uncertain significance. Last evaluated: 2020-05-05. Review status: criteria provided, single submitter. Criteria: Invitae Variant Classification Sherloc (09022015). Collection method: clinical testing. Allele origin: germline.
Comment: In summary, the available evidence is currently insufficient to determine the role of this variant in disease. Therefore, it has been classified as a Variant of Uncertain Significance. Algorithms developed to predict the effect of missense changes on protein structure and function are either unavailable or do not agree on the potential impact of this missense change (SIFT: "Deleterious"; PolyPhen-2: "Benign"; Align-GVGD: "Class C0"). This sequence change replaces valine with leucine at codon 235 of the CACNA2D4 protein (p.Val235Leu). The valine residue is highly conserved and there is a small physicochemical difference between valine and leucine. This variant is present in population databases (rs187719227, ExAC 0.002%). This variant has not been reported in the literature in individuals with CACNA2D4-related conditions.

Blueprint Genetics
Classification: Uncertain significance. Last evaluated: 2018-07-13. Review status: criteria provided, single submitter. Criteria: ACMG Guidelines, 2015. Collection method: clinical testing. Allele origin: germline.

NM_172364.5(CACNA2D4):c.703G>C (p.Val235Leu)

Gene: CACNA2D4 (calcium voltage-gated channel auxiliary subunit alpha2delta 4; minus strand). Cytogenetic location: 12p13.33.
Variant type: single nucleotide variant.
Coding change: c.703G>C on transcript NM_172364.5 (MANE Select); coding-DNA position 703, G replaced by C.
Protein change: p.Val235Leu; replaces valine 235 with leucine.
Molecular consequence: missense variant.
Genome position (GRCh38, 1-based): chr12:1,907,518, C>G on the plus strand (G>C on the coding strand, the complement: CACNA2D4 is on the minus strand). VCF-style: chr12-1907518-C-G. GRCh37 (hg19) VCF-style: chr12-2016684-C-G.
Other names: short protein forms V235L.
Identifiers: ClinVar variation 1059195 (VCV001059195.10), dbSNP rs187719227, ClinGen allele CA6387433.